The following is an entry in ClinVar:

NM_000051.4(ATM):c.3025G>T (p.Glu1009Ter)

Gene: ATM (ATM serine/threonine kinase; plus strand). Cytogenetic location: 11q22.3.
Variant type: single nucleotide variant.
Coding change: c.3025G>T on transcript NM_000051.4 (MANE Select); coding-DNA position 3025, G replaced by T.
Protein change: p.Glu1009Ter; replaces glutamic acid 1009 with a stop codon.
Molecular consequence: nonsense.
Genome position (GRCh38, 1-based): chr11:108,271,354, G>T. VCF-style: chr11-108271354-G-T. GRCh37 (hg19) VCF-style: chr11-108142081-G-T.
Other names: c.3025G>T, p.Glu1009Ter (NM_001351834.2); short protein forms E1009*.
Identifiers: ClinVar variation 481093 (VCV000481093.5), dbSNP rs1064794039, ClinGen allele CA382547503.

ClinVar aggregate classification (germline): Pathogenic (1 of 4 stars; one submission).

Conditions:
Hereditary cancer-predisposing syndrome. Also called: Hereditary Cancer Syndrome; Neoplastic Syndromes, Hereditary; Tumor predisposition; Hereditary neoplastic syndrome. Identifiers: Orphanet 140162, MedGen C0027672, MeSH D009386, MONDO:0015356.

Submission:

Ambry Genetics
Classification: Pathogenic for Hereditary cancer-predisposing syndrome. Last evaluated: 2016-10-04. Review status: criteria provided, single submitter. Criteria: Ambry Variant Classification Scheme 2023. Collection method: clinical testing. Allele origin: germline.
Comment: The p.E1009* pathogenic mutation (also known as c.3025G>T), located in coding exon 19 of the ATM gene, results from a G to T substitution at nucleotide position 3025. This changes the amino acid from a glutamic acid to a stop codon within coding exon 19. This alteration is expected to result in loss of function by premature protein truncation or nonsense-mediated mRNA decay. As such, this alteration is interpreted as a disease-causing mutation.